The following is an entry in ClinVar:

NM_000789.4(ACE):c.3801C>T (p.Ile1267=)

Gene: ACE (angiotensin I converting enzyme; plus strand). Cytogenetic location: 17q23.3.
Variant type: single nucleotide variant.
Coding change: c.3801C>T on transcript NM_000789.4 (MANE Select); coding-DNA position 3801, C replaced by T.
Protein change: p.Ile1267=; no amino-acid change (isoleucine 1267 retained).
Molecular consequence: synonymous variant.
Genome position (GRCh38, 1-based): chr17:63,497,246, C>T. VCF-style: chr17-63497246-C-T. GRCh37 (hg19) VCF-style: chr17-61574607-C-T.
Other names: c.1956C>T, p.Ile652= (NM_001178057.2); c.2079C>T, p.Ile693= (NM_152830.3).
Identifiers: ClinVar variation 324420 (VCV000324420.35), dbSNP rs144242912, ClinGen allele CA8700666.

ClinVar aggregate classification (germline): Benign/Likely benign. Review status: criteria provided, multiple submitters, no conflicts (2 of 4 stars). 6 submissions from 6 submitters: Benign (1); Likely benign (5). Last evaluated 2026-01-08.

Conditions:
Renal tubular dysgenesis. Also called: Renotubular dysgenesis. Identifiers: Orphanet 3033, MedGen C0266313, MONDO:0017609, HP:0008660.
Microvascular complications of diabetes, susceptibility to, 3. Identifiers: MedGen C2675470, MONDO:0012963, OMIM 612624.
Hemorrhage, intracerebral, susceptibility to (ICH). Also called: Stroke, hemorrhagic, susceptibility to. Identifiers: MedGen C3281105, MONDO:0100533, OMIM 614519.
Renal tubular dysgenesis of genetic origin. Also called: PRIMITIVE RENAL TUBULE SYNDROME. Identifiers: Orphanet 97369, MedGen C5681536, MONDO:0009970, OMIM 267430.

Allele frequency attached by ClinVar (database versions not stated): ExAC 0.00328; 1000 Genomes Project 0.00140; gnomAD 0.00150 and 0.00154; TOPMed 0.00150; ESP Exome Variant Server 0.00155; 1000 Genomes Project 30x 0.00172; gnomAD exomes 0.00181 and 0.00183.
gnomAD v4.1: 2,846 of 1,579,314 alleles (0.18%); highest among the groups gnomAD compares: Middle Eastern, 0.85%; 8 homozygotes.

Submissions (6):

Labcorp Genetics (formerly Invitae), Labcorp
Classification: Benign. Last evaluated: 2026-01-08. Review status: criteria provided, single submitter. Criteria: Invitae Variant Classification Sherloc (09022015). Collection method: clinical testing. Allele origin: germline.

Blueprint Genetics
Classification: Likely benign. Last evaluated: 2024-10-03. Review status: criteria provided, single submitter. Criteria: ACMG Guidelines, 2015. Collection method: clinical testing. Allele origin: germline.

CeGaT Center for Human Genetics Tuebingen
Classification: Likely benign. Last evaluated: 2024-07-01. Review status: criteria provided, single submitter. Criteria: CeGaT Center For Human Genetics Tuebingen Variant Classification Criteria Version 2. Collection method: clinical testing. Allele origin: germline. Affected: yes. Observed: 1 variant allele.
Comment: ACE: BP4, BP7, BS2

Fulgent Genetics
Classification: Likely benign for Renal tubular dysgenesis of genetic origin; Microvascular complications of diabetes, susceptibility to, 3; Hemorrhage, intracerebral, susceptibility to. Last evaluated: 2021-10-25. Review status: criteria provided, single submitter. Criteria: ACMG Guidelines, 2015. Collection method: clinical testing. Allele origin: unknown.

Illumina Laboratory Services, Illumina
Classification: Likely benign for Renal tubular dysgenesis of genetic origin. Last evaluated: 2018-01-12. Review status: criteria provided, single submitter. Criteria: ICSL Variant Classification Criteria 13 December 2019. Collection method: clinical testing. Allele origin: germline.
Comment: This variant was observed in the ICSL laboratory as part of a predisposition screen in an ostensibly healthy population. It had not been previously curated by ICSL or reported in the Human Gene Mutation Database (HGMD: prior to June 1st, 2018), and was therefore a candidate for classification through an automated scoring system. Utilizing variant allele frequency, disease prevalence and penetrance estimates, and inheritance mode, an automated score was calculated to assess if this variant is too frequent to cause the disease. Based on the score and internal cut-off values, a variant classified as likely benign is not then subjected to further curation. The score for this variant resulted in a classification of likely benign for this disease.

Breakthrough Genomics
Classification: Likely benign. Review status: criteria provided, single submitter. Criteria: ACMG Guidelines, 2015. Collection method: not provided. Allele origin: germline. Inheritance: Autosomal recessive inheritance. Affected: yes.